The following is an entry in ClinVar:

NM_001378452.1(ITPR1):c.4791C>G (p.Asp1597Glu)

Genes: BRRIAR (BHLHE40 and RIG-I regulating ITPR1 antisense RNA; minus strand), ITPR1 (inositol 1,4,5-trisphosphate receptor type 1; plus strand). Cytogenetic location: 3p26.1.
Variant type: single nucleotide variant.
Coding change: c.4791C>G on transcript NM_001378452.1 (MANE Select); coding-DNA position 4791, C replaced by G.
Protein change: p.Asp1597Glu; replaces aspartic acid 1597 with glutamic acid.
Molecular consequence: missense variant.
Genome position (GRCh38, 1-based): chr3:4,706,300, C>G. VCF-style: chr3-4706300-C-G. GRCh37 (hg19) VCF-style: chr3-4747984-C-G.
Other names: c.4764C>G, p.Asp1588Glu (NM_001099952.4); c.4746C>G, p.Asp1582Glu (NM_001168272.2); c.4719C>G, p.Asp1573Glu (NM_002222.7); short protein forms D1573E, D1597E, D1582E, D1588E.
Identifiers: ClinVar variation 1947445 (VCV001947445.7), dbSNP rs748189121, ClinGen allele CA2232107.

ClinVar aggregate classification (germline): Uncertain significance. Review status: criteria provided, multiple submitters, no conflicts (2 of 4 stars). 2 submissions from 2 submitters: Uncertain significance (2). Last evaluated 2024-08-14.

Conditions:
Inborn genetic diseases. Identifiers: MedGen C0950123, MeSH D030342.

Allele frequency attached by ClinVar (database versions not stated): gnomAD exomes below 0.00001; ExAC 0.00001; gnomAD 0.00001; TOPMed 0.00001.
gnomAD v4.1: 7 of 1,613,872 alleles (0.00043%); highest among the groups gnomAD compares: Admixed American, 0.0033%; no homozygotes.

Submissions (2):

Labcorp Genetics (formerly Invitae), Labcorp
Classification: Uncertain significance. Last evaluated: 2024-08-14. Review status: criteria provided, single submitter. Criteria: Invitae Variant Classification Sherloc (09022015). Collection method: clinical testing. Allele origin: germline.
Comment: This sequence change replaces aspartic acid, which is acidic and polar, with glutamic acid, which is acidic and polar, at codon 1573 of the ITPR1 protein (p.Asp1573Glu). This variant is present in population databases (rs748189121, gnomAD 0.003%). This variant has not been reported in the literature in individuals affected with ITPR1-related conditions. ClinVar contains an entry for this variant (Variation ID: 1947445). Invitae Evidence Modeling of protein sequence and biophysical properties (such as structural, functional, and spatial information, amino acid conservation, physicochemical variation, residue mobility, and thermodynamic stability) indicates that this missense variant is not expected to disrupt ITPR1 protein function with a negative predictive value of 95%. In summary, the available evidence is currently insufficient to determine the role of this variant in disease. Therefore, it has been classified as a Variant of Uncertain Significance.

Ambry Genetics
Classification: Uncertain significance for Inborn genetic diseases. Last evaluated: 2022-11-09. Review status: criteria provided, single submitter. Criteria: Ambry Variant Classification Scheme 2023. Collection method: clinical testing. Allele origin: germline.
Comment: The c.4719C>G (p.D1573E) alteration is located in exon 36 (coding exon 34) of the ITPR1 gene. This alteration results from a C to G substitution at nucleotide position 4719, causing the aspartic acid (D) at amino acid position 1573 to be replaced by a glutamic acid (E). This alteration is predicted to be tolerated by in silico analysis. Based on insufficient or conflicting evidence, the clinical significance of this alteration remains unclear.